The following is an entry in ClinVar:

NM_004655.4(AXIN2):c.541G>A (p.Val181Met)

Gene: AXIN2 (axin 2; minus strand). Cytogenetic location: 17q24.1.
Variant type: single nucleotide variant.
Coding change: c.541G>A on transcript NM_004655.4 (MANE Select); coding-DNA position 541, G replaced by A.
Protein change: p.Val181Met; replaces valine 181 with methionine.
Molecular consequence: missense variant.
Genome position (GRCh38, 1-based): chr17:65,558,080, C>T on the plus strand (G>A on the coding strand, the complement: AXIN2 is on the minus strand). VCF-style: chr17-65558080-C-T. GRCh37 (hg19) VCF-style: chr17-63554198-C-T.
Other names: c.541G>A, p.Val181Met (NM_001363813.1); c.541G>A (LRG_296t1); short protein forms V181M.
Identifiers: ClinVar variation 464628 (VCV000464628.18), dbSNP rs1348898769, ClinGen allele CA400680969.

ClinVar aggregate classification (germline): Uncertain significance. Review status: criteria provided, multiple submitters, no conflicts (2 of 4 stars). 5 submissions from 5 submitters: Uncertain significance (5). Last evaluated 2026-01-13.

Conditions:
Hereditary cancer-predisposing syndrome. Also called: Neoplastic Syndromes, Hereditary; Tumor predisposition; Hereditary Cancer Syndrome; Hereditary neoplastic syndrome. Identifiers: Orphanet 140162, MedGen C0027672, MeSH D009386, MONDO:0015356.
Oligodontia-cancer predisposition syndrome. Also called: TOOTH AGENESIS-COLORECTAL CANCER SYNDROME. Identifiers: Orphanet 300576, MedGen C1837750, MONDO:0012075, OMIM 608615. Disease mechanism: loss of function.
Colorectal cancer. Also called: Malignant Colorectal Neoplasm; Colorectal cancer, somatic. Identifiers: MedGen C0346629, MONDO:0005575, OMIM 114500.

Allele frequency attached by ClinVar (database versions not stated): gnomAD exomes below 0.00001; gnomAD 0.00001; TOPMed 0.00001.
gnomAD v4.1: 5 of 1,614,020 alleles (0.00031%); highest among the groups gnomAD compares: African/African-American, 0.0067%; no homozygotes.

Submissions (5):

Labcorp Genetics (formerly Invitae), Labcorp
Classification: Uncertain significance for Oligodontia-cancer predisposition syndrome. Last evaluated: 2026-01-13. Review status: criteria provided, single submitter. Criteria: Invitae Variant Classification Sherloc (09022015). Collection method: clinical testing. Allele origin: germline.
Comment: This sequence change replaces valine, which is neutral and non-polar, with methionine, which is neutral and non-polar, at codon 181 of the AXIN2 protein (p.Val181Met). This variant is present in population databases (no rsID available, gnomAD 0.007%). This variant has not been reported in the literature in individuals affected with AXIN2-related conditions. ClinVar contains an entry for this variant (Variation ID: 464628). Invitae Evidence Modeling of protein sequence and biophysical properties (such as structural, functional, and spatial information, amino acid conservation, physicochemical variation, residue mobility, and thermodynamic stability) indicates that this missense variant is not expected to disrupt AXIN2 protein function with a negative predictive value of 80%. In summary, the available evidence is currently insufficient to determine the role of this variant in disease. Therefore, it has been classified as a Variant of Uncertain Significance.

Ambry Genetics
Classification: Uncertain significance for Hereditary cancer-predisposing syndrome. Last evaluated: 2024-10-27. Review status: criteria provided, single submitter. Criteria: Ambry Variant Classification Scheme 2023. Collection method: clinical testing. Allele origin: germline.
Comment: The p.V181M variant (also known as c.541G>A), located in coding exon 1 of the AXIN2 gene, results from a G to A substitution at nucleotide position 541. The valine at codon 181 is replaced by methionine, an amino acid with highly similar properties. This amino acid position is not well conserved in available vertebrate species. In addition, this alteration is predicted to be tolerated by in silico analysis. Since supporting evidence is limited at this time, the clinical significance of this alteration remains unclear.

Baylor Genetics
Classification: Uncertain significance for Colorectal cancer. Last evaluated: 2023-11-26. Review status: criteria provided, single submitter. Criteria: ACMG Guidelines, 2015. Collection method: clinical testing. Allele origin: unknown.

GeneDx
Classification: Uncertain significance. Last evaluated: 2023-10-19. Review status: criteria provided, single submitter. Criteria: GeneDx Variant Classification Process June 2021. Collection method: clinical testing. Allele origin: germline. Affected: yes.
Comment: Has not been previously published as pathogenic or benign to our knowledge; Not observed at significant frequency in large population cohorts (gnomAD); In silico analysis supports that this missense variant does not alter protein structure/function; This variant is associated with the following publications: (PMID: 15735151)

Quest Diagnostics Nichols Institute San Juan Capistrano
Classification: Uncertain significance. Last evaluated: 2023-05-11. Review status: criteria provided, single submitter. Criteria: Quest Diagnostics criteria. Collection method: clinical testing. Allele origin: unknown.
Comment: To the best of our knowledge, the variant has not been reported in the published literature. The frequency of this variant in the general population, 0.000004 (1/251486 chromosomes), is uninformative in assessment of its pathogenicity. Analysis of this variant using bioinformatics tools for the prediction of the effect of amino acid changes on protein structure and function yielded predictions that this variant is benign. Based on the available information, we are unable to determine the clinical significance of this variant.